The following is an entry in ClinVar:

ClinVar aggregate classification (germline): Benign. Review status: criteria provided, multiple submitters, no conflicts (2 of 4 stars). 4 submissions from 4 submitters: Benign (4). Last evaluated 2024-01-24.

Allele frequency attached by ClinVar (database versions not stated): ExAC 0.29333; TOPMed 0.35880; 1000 Genomes Project 0.37859; gnomAD exomes 0.27859 and 0.25859; 1000 Genomes Project 30x 0.38476; gnomAD 0.35180 and 0.34519; ESP Exome Variant Server 0.35260.
gnomAD v4.1: 415,756 of 1,553,576 alleles (27%); highest among the groups gnomAD compares: African/African-American, 58%; 60,799 homozygotes.

Submissions (4):

Unidad de Genómica Garrahan, Hospital de Pediatría Garrahan
Classification: Benign. Last evaluated: 2024-01-24. Review status: criteria provided, single submitter. Criteria: ACMG Guidelines, 2015. Collection method: clinical testing. Allele origin: germline. Affected: no. Observed: 35 variant alleles.
Comment: This variant is classified as Benign based on local population frequency. This variant was detected in 40% of patients studied by a panel of primary immunodeficiencies. Number of patients: 35. Only high quality variants are reported.

GeneDx
Classification: Benign. Last evaluated: 2015-03-03. Review status: criteria provided, single submitter. Criteria: GeneDx Variant Classification Process June 2021. Collection method: clinical testing. Allele origin: germline. Affected: yes.

Breakthrough Genomics
Classification: Benign. Review status: criteria provided, single submitter. Criteria: ACMG Guidelines, 2015. Collection method: not provided. Allele origin: germline. Inheritance: Autosomal dominant inheritance. Affected: yes.

PreventionGenetics, part of Exact Sciences
Classification: Benign. Review status: criteria provided, single submitter. Criteria: ACMG Guidelines, 2015. Collection method: clinical testing. Allele origin: germline.

NM_000138.5(FBN1):c.2168-46A>G

Gene: FBN1 (fibrillin 1; minus strand). Cytogenetic location: 15q21.1.
Variant type: single nucleotide variant.
Coding change: c.2168-46A>G on transcript NM_000138.5 (MANE Select); 46 bases into the intron before coding-DNA position 2168, A replaced by G.
Molecular consequence: intron variant.
Genome position (GRCh38, 1-based): chr15:48,497,437, T>C on the plus strand (A>G on the coding strand, the complement: FBN1 is on the minus strand). VCF-style: chr15-48497437-T-C. GRCh37 (hg19) VCF-style: chr15-48789634-T-C.
Identifiers: ClinVar variation 255288 (VCV000255288.8), dbSNP rs140605, ClinGen allele CA047137.